The following is an entry in ClinVar:

NM_080680.3(COL11A2):c.2215G>A (p.Gly739Ser)

Gene: COL11A2 (collagen type XI alpha 2 chain; minus strand). Cytogenetic location: 6p21.32.
Variant type: single nucleotide variant.
Coding change: c.2215G>A on transcript NM_080680.3 (MANE Select); coding-DNA position 2215, G replaced by A.
Protein change: p.Gly739Ser; replaces glycine 739 with serine.
Molecular consequence: missense variant.
Genome position (GRCh38, 1-based): chr6:33,176,069, C>T on the plus strand (G>A on the coding strand, the complement: COL11A2 is on the minus strand). VCF-style: chr6-33176069-C-T. GRCh37 (hg19) VCF-style: chr6-33143846-C-T.
Other names: c.1894G>A, p.Gly632Ser (NM_080679.3); c.1957G>A, p.Gly653Ser (NM_080681.3); c.2215G>A (NM_080680.2); short protein forms G653S, G632S, G739S.
Identifiers: ClinVar variation 2127651 (VCV002127651.6), dbSNP rs763575313, ClinGen allele CA137071091.

ClinVar aggregate classification (germline): Conflicting classifications of pathogenicity. Review status: criteria provided, conflicting classifications (1 of 4 stars). 3 submissions from 3 submitters: Likely pathogenic (1); Uncertain significance (1). 1 of the submissions does not count toward it. Last evaluated 2025-06-04.

Conditions:
COL11A2-related disorder. Also called: COL11A2-related condition; COL11A2-related disorders.
Fibrochondrogenesis 2 (FBCG2). Identifiers: Orphanet 2021, MedGen C3281128, MONDO:0013795, OMIM 614524.
Autosomal recessive nonsyndromic hearing loss 53. Identifiers: Orphanet 90636, MedGen C1864746, MONDO:0012333, OMIM 609706.
Otospondylomegaepiphyseal dysplasia, autosomal recessive (OSMEDB). Also called: CHONDRODYSTROPHY WITH SENSORINEURAL DEAFNESS; Insley-Astley syndrome. Identifiers: Orphanet 1427, MedGen CN034493, MONDO:0044206, OMIM 215150.
Otospondylomegaepiphyseal dysplasia, autosomal dominant (OSMEDA). Also called: COL11A2-Related Stickler Syndrome; Pierre Robin syndrome with fetal chondrodysplasia; Stickler syndrome, type 3. Identifiers: Orphanet 166100, Orphanet 3450, MedGen C1848488, MONDO:0008490, OMIM 184840.
Autosomal dominant nonsyndromic hearing loss 13. Identifiers: Orphanet 90635, MedGen C1866095, MONDO:0011159, OMIM 601868.

Allele frequency attached by ClinVar (database versions not stated): gnomAD exomes 0.00001; TOPMed 0.00001.
gnomAD v4.1: 13 of 1,612,960 alleles (0.00081%); highest among the groups gnomAD compares: Non-Finnish European, 0.00093%; no homozygotes.

Submissions (3):

Labcorp Genetics (formerly Invitae), Labcorp
Classification: Uncertain significance. Last evaluated: 2025-06-04. Review status: criteria provided, single submitter. Criteria: Invitae Variant Classification Sherloc (09022015). Collection method: clinical testing. Allele origin: germline.
Comment: This sequence change replaces glycine, which is neutral and non-polar, with serine, which is neutral and polar, at codon 739 of the COL11A2 protein (p.Gly739Ser). This variant is not present in population databases (gnomAD no frequency). This variant has not been reported in the literature in individuals affected with COL11A2-related conditions. ClinVar contains an entry for this variant (Variation ID: 2127651). An algorithm developed to predict the effect of missense changes on protein structure and function (PolyPhen-2) suggests that this variant is likely to be disruptive. Algorithms developed to predict the effect of sequence changes on RNA splicing suggest that this variant may disrupt the consensus splice site. In summary, the available evidence is currently insufficient to determine the role of this variant in disease. Therefore, it has been classified as a Variant of Uncertain Significance.

Fulgent Genetics
Classification: Likely pathogenic for Otospondylomegaepiphyseal dysplasia, autosomal dominant; Otospondylomegaepiphyseal dysplasia, autosomal recessive; Autosomal dominant nonsyndromic hearing loss 13; Autosomal recessive nonsyndromic hearing loss 53; Fibrochondrogenesis 2. Last evaluated: 2024-06-20. Review status: criteria provided, single submitter. Criteria: ACMG Guidelines, 2015. Collection method: clinical testing. Allele origin: germline.

PreventionGenetics, part of Exact Sciences
Classification: Uncertain significance for COL11A2-related condition. Last evaluated: 2024-04-11. Review status: no assertion criteria provided. Collection method: clinical testing. Allele origin: germline. Not counted in ClinVar's aggregate classification.
Comment: The COL11A2 c.2215G>A variant is predicted to result in the amino acid substitution p.Gly739Ser. To our knowledge, this variant has not been reported in the literature or in a large population database, indicating this variant is rare. The p.Gly739 amino acid is located in the conserved Gly-Xaa-Yaa triple helical domain where substitutions of a glycine are usually pathogenic (Vuristo et al. 1995. PubMed ID: 7559422; Chen et al. 2005. PubMed ID: 16033917). However, no pathogenic missense variant in this exon has been reported in the Human Gene Mutation Database. This variant could be pathogenic. However, at this time, the clinical significance of this variant is uncertain due to the absence of conclusive functional and genetic evidence.